The following is an entry in ClinVar:

ClinVar aggregate classification (germline): Likely benign (0 of 4 stars; one submission).

Conditions:
RFX6-related disorder. Also called: RFX6-related condition.

gnomAD v4.1: 3 of 1,591,130 alleles (0.00019%); highest among the groups gnomAD compares: African/African-American, 0.0013%; no homozygotes.

Submission:

PreventionGenetics, part of Exact Sciences
Classification: Likely benign for RFX6-related condition. Last evaluated: 2019-08-16. Review status: no assertion criteria provided. Collection method: clinical testing. Allele origin: germline.
Comment: This variant is classified as likely benign based on ACMG/AMP sequence variant interpretation guidelines (Richards et al. 2015 PMID: 25741868, with internal and published modifications).

NM_173560.4(RFX6):c.627T>C (p.Ser209=)

Gene: RFX6 (regulatory factor X6; plus strand). Cytogenetic location: 6q22.1.
Variant type: single nucleotide variant.
Coding change: c.627T>C on transcript NM_173560.4 (MANE Select); coding-DNA position 627, T replaced by C.
Protein change: p.Ser209=; no amino-acid change (serine 209 retained).
Molecular consequence: synonymous variant.
Genome position (GRCh38, 1-based): chr6:116,894,047, T>C. VCF-style: chr6-116894047-T-C. GRCh37 (hg19) VCF-style: chr6-117215210-T-C.
Identifiers: ClinVar variation 3052943 (VCV003052943.2), dbSNP rs760182171, ClinGen allele CA3973076.